The following is an entry in ClinVar:

NM_006059.4(LAMC3):c.4541G>A (p.Arg1514His)

Gene: LAMC3 (laminin subunit gamma 3; plus strand). Cytogenetic location: 9q34.12.
Variant type: single nucleotide variant.
Coding change: c.4541G>A on transcript NM_006059.4 (MANE Select); coding-DNA position 4541, G replaced by A.
Protein change: p.Arg1514His; replaces arginine 1514 with histidine.
Molecular consequence: missense variant.
Genome position (GRCh38, 1-based): chr9:131,091,600, G>A. VCF-style: chr9-131091600-G-A. GRCh37 (hg19) VCF-style: chr9-133966987-G-A.
Other names: short protein forms R1514H.
Identifiers: ClinVar variation 1450822 (VCV001450822.8), dbSNP rs148214465, ClinGen allele CA5288216.

ClinVar aggregate classification (germline): Uncertain significance. Review status: criteria provided, multiple submitters, no conflicts (2 of 4 stars). 4 submissions from 4 submitters: Uncertain significance (4). Last evaluated 2025-05-06.

Conditions:
Inborn genetic diseases. Identifiers: MedGen C0950123, MeSH D030342.

Allele frequency attached by ClinVar (database versions not stated): gnomAD 0.00017 and 0.00016; 1000 Genomes Project 0.00020; ExAC 0.00016; gnomAD exomes 0.00006; ESP Exome Variant Server 0.00023; 1000 Genomes Project 30x 0.00031.
gnomAD v4.1: 163 of 1,592,644 alleles (0.01%); highest among the groups gnomAD compares: African/African-American, 0.039%; no homozygotes.

Submissions (4):

Ambry Genetics
Classification: Uncertain significance for Inborn genetic diseases. Last evaluated: 2025-05-06. Review status: criteria provided, single submitter. Criteria: Ambry Variant Classification Scheme 2023. Collection method: clinical testing. Allele origin: germline.

Labcorp Genetics (formerly Invitae), Labcorp
Classification: Uncertain significance. Last evaluated: 2022-08-21. Review status: criteria provided, single submitter. Criteria: Invitae Variant Classification Sherloc (09022015). Collection method: clinical testing. Allele origin: germline.
Comment: This sequence change replaces arginine, which is basic and polar, with histidine, which is basic and polar, at codon 1514 of the LAMC3 protein (p.Arg1514His). This variant is present in population databases (rs148214465, gnomAD 0.04%). This variant has not been reported in the literature in individuals affected with LAMC3-related conditions. ClinVar contains an entry for this variant (Variation ID: 1450822). Algorithms developed to predict the effect of missense changes on protein structure and function output the following: SIFT: "Tolerated"; PolyPhen-2: "Benign"; Align-GVGD: "Class C0". The histidine amino acid residue is found in multiple mammalian species, which suggests that this missense change does not adversely affect protein function. In summary, the available evidence is currently insufficient to determine the role of this variant in disease. Therefore, it has been classified as a Variant of Uncertain Significance.

GeneDx
Classification: Uncertain significance. Last evaluated: 2022-04-05. Review status: criteria provided, single submitter. Criteria: GeneDx Variant Classification Process June 2021. Collection method: clinical testing. Allele origin: germline. Affected: yes.
Comment: In silico analysis supports that this missense variant does not alter protein structure/function; Has not been previously published as pathogenic or benign to our knowledge

Breakthrough Genomics
Classification: Uncertain significance. Review status: criteria provided, single submitter. Criteria: ACMG Guidelines, 2015. Collection method: not provided. Allele origin: germline. Inheritance: Autosomal recessive inheritance. Affected: yes.